The following is an entry in ClinVar:

ClinVar aggregate classification (germline): Uncertain significance. Review status: criteria provided, multiple submitters, no conflicts (2 of 4 stars). 3 submissions from 3 submitters: Uncertain significance (3). Last evaluated 2025-06-22.

Conditions:
Gastrointestinal stromal tumor. Also called: Gastrointestinal stromal tumor, somatic; Gastrointestinal stroma tumor. Identifiers: Orphanet 44890, MedGen C0238198, MeSH D046152, MONDO:0011719, OMIM 606764, HP:0100723.
Hereditary cancer-predisposing syndrome. Also called: Tumor predisposition; Neoplastic Syndromes, Hereditary; Hereditary neoplastic syndrome; Hereditary Cancer Syndrome. Identifiers: Orphanet 140162, MedGen C0027672, MeSH D009386, MONDO:0015356.
Polyps, multiple and recurrent inflammatory fibroid, gastrointestinal. Identifiers: MedGen C5193005, MONDO:0008285, OMIM 175510.

Allele frequency attached by ClinVar (database versions not stated): gnomAD exomes below 0.00001; TOPMed below 0.00001.

Submissions (3):

Ambry Genetics
Classification: Uncertain significance for Hereditary cancer-predisposing syndrome. Last evaluated: 2025-06-22. Review status: criteria provided, single submitter. Criteria: Ambry Variant Classification Scheme 2023. Collection method: clinical testing. Allele origin: germline.
Comment: The p.H334Y variant (also known as c.1000C>T), located in coding exon 6 of the PDGFRA gene, results from a C to T substitution at nucleotide position 1000. The histidine at codon 334 is replaced by tyrosine, an amino acid with similar properties. This amino acid position is conserved. In addition, this alteration is predicted to be tolerated by in silico analysis. Since supporting evidence is limited at this time, the clinical significance of this alteration remains unclear.

Labcorp Genetics (formerly Invitae), Labcorp
Classification: Uncertain significance for Gastrointestinal stromal tumor. Last evaluated: 2024-12-19. Review status: criteria provided, single submitter. Criteria: Invitae Variant Classification Sherloc (09022015). Collection method: clinical testing. Allele origin: germline.
Comment: This sequence change replaces histidine, which is basic and polar, with tyrosine, which is neutral and polar, at codon 334 of the PDGFRA protein (p.His334Tyr). This variant is not present in population databases (gnomAD no frequency). This variant has not been reported in the literature in individuals affected with PDGFRA-related conditions. ClinVar contains an entry for this variant (Variation ID: 1047778). Invitae Evidence Modeling of protein sequence and biophysical properties (such as structural, functional, and spatial information, amino acid conservation, physicochemical variation, residue mobility, and thermodynamic stability) indicates that this missense variant is not expected to disrupt PDGFRA protein function with a negative predictive value of 80%. In summary, the available evidence is currently insufficient to determine the role of this variant in disease. Therefore, it has been classified as a Variant of Uncertain Significance.

Baylor Genetics
Classification: Uncertain significance for Polyps, multiple and recurrent inflammatory fibroid, gastrointestinal. Last evaluated: 2023-07-06. Review status: criteria provided, single submitter. Criteria: ACMG Guidelines, 2015. Collection method: clinical testing. Allele origin: unknown.

NM_006206.6(PDGFRA):c.1000C>T (p.His334Tyr)

Gene: PDGFRA (platelet derived growth factor receptor alpha; plus strand). Cytogenetic location: 4q12.
Variant type: single nucleotide variant.
Coding change: c.1000C>T on transcript NM_006206.6 (MANE Select); coding-DNA position 1000, C replaced by T.
Protein change: p.His334Tyr; replaces histidine 334 with tyrosine.
Molecular consequence: missense variant.
Genome position (GRCh38, 1-based): chr4:54,267,620, C>T. VCF-style: chr4-54267620-C-T. GRCh37 (hg19) VCF-style: chr4-55133787-C-T.
Other names: c.1000C>T, p.His334Tyr (NM_001347827.2, NM_001347829.2); c.1075C>T, p.His359Tyr (NM_001347828.2); c.1039C>T, p.His347Tyr (NM_001347830.2); short protein forms H347Y, H334Y, H359Y.
Identifiers: ClinVar variation 1047778 (VCV001047778.12), dbSNP rs1723113261, ClinGen allele CA356891582.